The following is an entry in ClinVar:

ClinVar aggregate classification (germline): Uncertain significance (1 of 4 stars; one submission).

Submission:

Labcorp Genetics (formerly Invitae), Labcorp
Classification: Uncertain significance. Last evaluated: 2025-04-19. Review status: criteria provided, single submitter. Criteria: Invitae Variant Classification Sherloc (09022015). Collection method: clinical testing. Allele origin: germline.
Comment: This sequence change replaces proline, which is neutral and non-polar, with serine, which is neutral and polar, at codon 221 of the HIVEP2 protein (p.Pro221Ser). This variant is not present in population databases (gnomAD no frequency). This variant has not been reported in the literature in individuals affected with HIVEP2-related conditions. Invitae Evidence Modeling of protein sequence and biophysical properties (such as structural, functional, and spatial information, amino acid conservation, physicochemical variation, residue mobility, and thermodynamic stability) indicates that this missense variant is not expected to disrupt HIVEP2 protein function with a negative predictive value of 80%. In summary, the available evidence is currently insufficient to determine the role of this variant in disease. Therefore, it has been classified as a Variant of Uncertain Significance.

NM_006734.4(HIVEP2):c.661C>T (p.Pro221Ser)

Gene: HIVEP2 (HIVEP zinc finger 2; minus strand). Cytogenetic location: 6q24.2.
Variant type: single nucleotide variant.
Coding change: c.661C>T on transcript NM_006734.4 (MANE Select); coding-DNA position 661, C replaced by T.
Protein change: p.Pro221Ser; replaces proline 221 with serine.
Molecular consequence: missense variant.
Genome position (GRCh38, 1-based): chr6:142,774,078, G>A on the plus strand (C>T on the coding strand, the complement: HIVEP2 is on the minus strand). VCF-style: chr6-142774078-G-A. GRCh37 (hg19) VCF-style: chr6-143095215-G-A.
Other names: c.661C>T, p.Pro221Ser (NM_001438449.1, NM_001438450.1, NM_001438451.1); short protein forms P221S.
Identifiers: ClinVar variation 4746503 (VCV004746503.1).